The following is an entry in ClinVar:

ClinVar aggregate classification (germline): Uncertain significance. Review status: criteria provided, multiple submitters, no conflicts (2 of 4 stars). 3 submissions from 3 submitters: Uncertain significance (2). 1 of the submissions does not count toward it. Last evaluated 2025-04-10.

Conditions:
VPS13B-related disorder. Also called: VPS13B-related condition.
Cohen syndrome (COH1). Also called: PEPPER SYNDROME; Cutis verticis gyrata, retinitis pigmentosa, and sensorineural deafness. Identifiers: Orphanet 193, MedGen C0265223, MONDO:0008999, OMIM 216550.

Allele frequency attached by ClinVar (database versions not stated): ExAC 0.00001; gnomAD exomes 0.00001; TOPMed 0.00001.
gnomAD v4.1: 16 of 1,613,896 alleles (0.00099%); highest among the groups gnomAD compares: Non-Finnish European, 0.0012%; no homozygotes.

Submissions (3):

PreventionGenetics, part of Exact Sciences
Classification: Uncertain significance for VPS13B-related condition. Last evaluated: 2025-04-10. Review status: criteria provided, single submitter. Criteria: ACMG Guidelines, 2015. Collection method: clinical testing. Allele origin: germline.
Comment: The VPS13B c.3836G>A variant is predicted to result in the amino acid substitution p.Cys1279Tyr. To our knowledge, this variant has not been reported in the literature. This variant is reported in 0.0018% of alleles in individuals of European (Non-Finnish) descent in gnomAD. At this time, the clinical significance of this variant is uncertain due to the absence of conclusive functional and genetic evidence.

Labcorp Genetics (formerly Invitae), Labcorp
Classification: Uncertain significance for Cohen syndrome. Last evaluated: 2021-10-14. Review status: criteria provided, single submitter. Criteria: Invitae Variant Classification Sherloc (09022015). Collection method: clinical testing. Allele origin: germline.
Comment: This sequence change replaces cysteine with tyrosine at codon 1279 of the VPS13B protein (p.Cys1279Tyr). The cysteine residue is moderately conserved and there is a large physicochemical difference between cysteine and tyrosine. This variant is present in population databases (rs747109984, ExAC 0.002%). This variant has not been reported in the literature in individuals affected with VPS13B-related conditions. Algorithms developed to predict the effect of missense changes on protein structure and function output the following: SIFT: "Not Available"; PolyPhen-2: "Benign"; Align-GVGD: "Not Available". The tyrosine amino acid residue is found in multiple mammalian species, which suggests that this missense change does not adversely affect protein function. In summary, the available evidence is currently insufficient to determine the role of this variant in disease. Therefore, it has been classified as a Variant of Uncertain Significance.

Natera, Inc.
Classification: Uncertain significance for Cohen syndrome. Last evaluated: 2020-07-22. Review status: no assertion criteria provided. Collection method: clinical testing. Allele origin: germline. Not counted in ClinVar's aggregate classification.

NM_152564.5(VPS13B):c.3836G>A (p.Cys1279Tyr)

Gene: VPS13B (vacuolar protein sorting 13 homolog B; plus strand). Cytogenetic location: 8q22.2.
Variant type: single nucleotide variant.
Coding change: c.3836G>A on transcript NM_152564.5 (MANE Select); coding-DNA position 3836, G replaced by A.
Protein change: p.Cys1279Tyr; replaces cysteine 1279 with tyrosine.
Molecular consequence: missense variant.
Genome position (GRCh38, 1-based): chr8:99,481,768, G>A. VCF-style: chr8-99481768-G-A. GRCh37 (hg19) VCF-style: chr8-100493996-G-A.
Other names: c.3836G>A, p.Cys1279Tyr (NM_017890.5); c.3836G>A (NM_152564.4); short protein forms C1279Y.
Identifiers: ClinVar variation 855308 (VCV000855308.8), dbSNP rs747109984, ClinGen allele CA4823345.